The following is an entry in ClinVar:

ClinVar aggregate classification (germline): Uncertain significance (1 of 4 stars; one submission).

Allele frequency attached by ClinVar (database versions not stated): gnomAD exomes below 0.00001.
gnomAD v4.1: 1 of 1,614,148 alleles (0.000062%); highest among the groups gnomAD compares: Admixed American, 0.0017%; no homozygotes.

Submission:

Labcorp Genetics (formerly Invitae), Labcorp
Classification: Uncertain significance. Last evaluated: 2021-08-31. Review status: criteria provided, single submitter. Criteria: Invitae Variant Classification Sherloc (09022015). Collection method: clinical testing. Allele origin: germline.
Comment: This sequence change replaces asparagine with isoleucine at codon 282 of the SLC7A14 protein (p.Asn282Ile). The asparagine residue is moderately conserved and there is a large physicochemical difference between asparagine and isoleucine. This variant is not present in population databases (ExAC no frequency). This variant has not been reported in the literature in individuals affected with SLC7A14-related conditions. Algorithms developed to predict the effect of missense changes on protein structure and function are either unavailable or do not agree on the potential impact of this missense change (SIFT: "Tolerated"; PolyPhen-2: "Possibly Damaging"; Align-GVGD: "Class C0"). In summary, the available evidence is currently insufficient to determine the role of this variant in disease. Therefore, it has been classified as a Variant of Uncertain Significance.

NM_020949.3(SLC7A14):c.845A>T (p.Asn282Ile)

Genes: SLC7A14 (solute carrier family 7 member 14; minus strand), SLC7A14-AS1 (SLC7A14 antisense RNA 1; plus strand). Cytogenetic location: 3q26.2.
Variant type: single nucleotide variant.
Coding change: c.845A>T on transcript NM_020949.3 (MANE Select); coding-DNA position 845, A replaced by T.
Protein change: p.Asn282Ile; replaces asparagine 282 with isoleucine.
Molecular consequence: missense variant.
Genome position (GRCh38, 1-based): chr3:170,486,283, T>A on the plus strand (A>T on the coding strand, the complement: SLC7A14 is on the minus strand). VCF-style: chr3-170486283-T-A. GRCh37 (hg19) VCF-style: chr3-170204072-T-A.
Other names: short protein forms N282I.
Identifiers: ClinVar variation 1493859 (VCV001493859.6), dbSNP rs1712026628, ClinGen allele CA355493997.
Genomic context (GRCh38, chr3:170,486,283, plus strand): 5'-GACACATATGCTGTCAGGCAGATGACCAGGGAGGCAGTGATAGCATAAGGGATGGACGTG[T>A]TGGGATTCTTGGCTTCCTCTCCAGTGGTGGCGATGATGTCAAAGCCAATGAAAGCGTAGA-3'
Protein context (NP_066000.2, residues 272-292): ATTGEEAKNP[Asn282Ile]TSIPYAITAS